The following is an entry in ClinVar:

ClinVar aggregate classification (germline): Uncertain significance. Review status: criteria provided, multiple submitters, no conflicts (2 of 4 stars). 2 submissions from 2 submitters: Uncertain significance (2). Last evaluated 2025-09-10.

Conditions:
Inborn genetic diseases. Identifiers: MedGen C0950123, MeSH D030342.
Joubert syndrome. Also called: CEREBELLOPARENCHYMAL DISORDER IV; JOUBERT-BOLTSHAUSER SYNDROME; Familial aplasia of the vermis. Identifiers: Orphanet 475, MedGen C5979921, MONDO:0018772.
Meckel-Gruber syndrome. Also called: DYSENCEPHALIA SPLANCHNOCYSTICA; GRUBER SYNDROME; Dysencephalia splachnocystica. Identifiers: Orphanet 564, MedGen C0265215, MONDO:0018921.

Allele frequency attached by ClinVar (database versions not stated): gnomAD exomes 0.00001; gnomAD 0.00002; ExAC 0.00004; TOPMed 0.00005; ESP Exome Variant Server 0.00008.

Submissions (2):

Ambry Genetics
Classification: Uncertain significance for Inborn genetic diseases. Last evaluated: 2025-09-10. Review status: criteria provided, single submitter. Criteria: Ambry Variant Classification Scheme 2023. Collection method: clinical testing. Allele origin: germline.

Labcorp Genetics (formerly Invitae), Labcorp
Classification: Uncertain significance for Joubert syndrome; Meckel-Gruber syndrome. Last evaluated: 2022-08-22. Review status: criteria provided, single submitter. Criteria: Invitae Variant Classification Sherloc (09022015). Collection method: clinical testing. Allele origin: germline.
Comment: In summary, the available evidence is currently insufficient to determine the role of this variant in disease. Therefore, it has been classified as a Variant of Uncertain Significance. Algorithms developed to predict the effect of sequence changes on RNA splicing suggest that this variant may create or strengthen a splice site. Algorithms developed to predict the effect of missense changes on protein structure and function (SIFT, PolyPhen-2, Align-GVGD) all suggest that this variant is likely to be tolerated. This variant has not been reported in the literature in individuals affected with B9D1-related conditions. This variant is present in population databases (rs375256419, gnomAD 0.004%). This sequence change replaces arginine, which is basic and polar, with glutamine, which is neutral and polar, at codon 140 of the B9D1 protein (p.Arg140Gln).

NM_015681.6(B9D1):c.419G>A (p.Arg140Gln)

Gene: B9D1 (B9 domain containing 1; minus strand). Cytogenetic location: 17p11.2.
Variant type: single nucleotide variant.
Coding change: c.419G>A on transcript NM_015681.6 (MANE Select); coding-DNA position 419, G replaced by A.
Protein change: p.Arg140Gln; replaces arginine 140 with glutamine.
Molecular consequence: missense variant. On other transcripts: intron variant (1).
Genome position (GRCh38, 1-based): chr17:19,343,843, C>T on the plus strand (G>A on the coding strand, the complement: B9D1 is on the minus strand). VCF-style: chr17-19343843-C-T. GRCh37 (hg19) VCF-style: chr17-19247156-C-T.
Other names: c.419G>A (NM_015681.3); c.419G>A, p.Arg140Gln (NM_001321214.2, NM_001321215.3, NM_001321217.2 and 2 more transcripts); c.59G>A, p.Arg20Gln (NM_001368769.2); c.404+3426G>A (NM_001321219.2); short protein forms R20Q, R140Q.
Identifiers: ClinVar variation 2151657 (VCV002151657.5), dbSNP rs375256419, ClinGen allele CA8440168.
Genomic context (GRCh38, chr17:19,343,843, plus strand): 5'-GCTTTACCTTCCCGGCCTTCACCCTGAGCCACCACCTTGGGGTCTGTGTACTCGGGCCGC[C>T]GCCCCATGAACCAGCTGGGAACACAGAAGAACACAGGTGAGCAGGGCCCCACCTGGGCAT-3'
Protein context (NP_056496.1, residues 130-150): LQKFTSWFMG[Arg140Gln]RPEYTDPKVV